The following is an entry in ClinVar:

NM_006031.6(PCNT):c.6515A>G (p.Asp2172Gly)

Gene: PCNT (pericentrin; plus strand). Cytogenetic location: 21q22.3.
Variant type: single nucleotide variant.
Coding change: c.6515A>G on transcript NM_006031.6 (MANE Select); coding-DNA position 6515, A replaced by G.
Protein change: p.Asp2172Gly; replaces aspartic acid 2172 with glycine.
Molecular consequence: missense variant.
Genome position (GRCh38, 1-based): chr21:46,416,433, A>G. VCF-style: chr21-46416433-A-G. GRCh37 (hg19) VCF-style: chr21-47836347-A-G.
Other names: c.6161A>G, p.Asp2054Gly (NM_001315529.2); short protein forms D2172G, D2054G.
Identifiers: ClinVar variation 2172302 (VCV002172302.1), dbSNP rs2518829554, ClinGen allele CA410563414.

ClinVar aggregate classification (germline): Uncertain significance (1 of 4 stars; one submission).

Submission:

Labcorp Genetics (formerly Invitae), Labcorp
Classification: Uncertain significance. Last evaluated: 2022-05-03. Review status: criteria provided, single submitter. Criteria: Invitae Variant Classification Sherloc (09022015). Collection method: clinical testing. Allele origin: germline.
Comment: This sequence change replaces aspartic acid, which is acidic and polar, with glycine, which is neutral and non-polar, at codon 2172 of the PCNT protein (p.Asp2172Gly). This variant is not present in population databases (gnomAD no frequency). This variant has not been reported in the literature in individuals affected with PCNT-related conditions. Algorithms developed to predict the effect of missense changes on protein structure and function are either unavailable or do not agree on the potential impact of this missense change (SIFT: "Tolerated"; PolyPhen-2: "Possibly Damaging"; Align-GVGD: "Class C0"). Algorithms developed to predict the effect of sequence changes on RNA splicing suggest that this variant may create or strengthen a splice site. In summary, the available evidence is currently insufficient to determine the role of this variant in disease. Therefore, it has been classified as a Variant of Uncertain Significance.